The following is an entry in ClinVar:

NM_000059.4(BRCA2):c.6067_6076del (p.Asp2023fs)

Gene: BRCA2 (BRCA2 DNA repair associated; plus strand). Cytogenetic location: 13q13.1.
Variant type: Deletion.
Coding change: c.6067_6076del on transcript NM_000059.4 (MANE Select); coding-DNA positions 6067 to 6076, 10 bases deleted (GACCAGCTCA; older notation c.6067_6076delGACCAGCTCA).
Protein change: p.Asp2023fs; shifts the reading frame from aspartic acid 2023.
Molecular consequence: frameshift variant.
Genome position (GRCh38, 1-based): chr13:32,340,422-32,340,431, GACCAGCTCA deleted; deleting any 10 consecutive bases within chr13:32,340,419-32,340,431 gives the same sequence; the c. name uses the placement nearest the transcript's 3' end. VCF-style (leftmost placement, unchanged base first): chr13-32340418-TTCAGACCAGC-T. GRCh37 (hg19) VCF-style: chr13-32914555-TTCAGACCAGC-T.
Other names: 6295del10; short protein forms D2023fs.
Identifiers: ClinVar variation 266919 (VCV000266919.5), dbSNP rs886040632, ClinGen allele CA10589350.

ClinVar aggregate classification (germline): Pathogenic. Review status: reviewed by expert panel (3 of 4 stars). 2 submissions from 2 submitters: Pathogenic (1). 1 of the submissions does not count toward it. Last evaluated 2016-10-18.

Conditions:
Breast-ovarian cancer, familial, susceptibility to, 2 (BROVCA2). Also called: BRCA2 Hereditary Breast and Ovarian Cancer. Identifiers: Orphanet 145, MedGen C2675520, MONDO:0012933, OMIM 612555. Disease mechanism: loss of function.

Submissions (2):

Evidence-based Network for the Interpretation of Germline Mutant Alleles (ENIGMA)
Classification: Pathogenic for Breast-ovarian cancer, familial, susceptibility to, 2. Last evaluated: 2016-10-18. Review status: reviewed by expert panel. Criteria: ENIGMA BRCA1/2 Classification Criteria (2015). Collection method: curation. Allele origin: germline.
Comment: Variant allele predicted to encode a truncated non-functional protein.

Consortium of Investigators of Modifiers of BRCA1/2 (CIMBA), c/o University of Cambridge
Classification: Pathogenic for Breast-ovarian cancer, familial, susceptibility to, 2. Last evaluated: 2015-10-02. Review status: criteria provided, single submitter. Criteria: CIMBA Mutation Classification guidelines May 2016. Collection method: clinical testing. Allele origin: germline. Not counted in ClinVar's aggregate classification.